The following is an entry in ClinVar:

ClinVar aggregate classification (germline): Conflicting classifications of pathogenicity. Review status: criteria provided, conflicting classifications (1 of 4 stars). 3 submissions from 3 submitters: Uncertain significance (2); Likely benign (1). Last evaluated 2025-06-11.

Conditions:
Inborn genetic diseases. Identifiers: MedGen C0950123, MeSH D030342.
Majeed syndrome (MJDS). Also called: LPIN2-Related Majeed Syndrome; CHRONIC RECURRENT MULTIFOCAL OSTEOMYELITIS 1, WITH CONGENITAL DYSERYTHROPOIETIC ANEMIA, WITH OR WITHOUT NEUTROPHILIC DERMATOSIS. Identifiers: Orphanet 77297, MedGen C1864997, MONDO:0012316, OMIM 609628.

Allele frequency attached by ClinVar (database versions not stated): ExAC 0.00002; gnomAD exomes 0.00002; TOPMed 0.00002; 1000 Genomes Project 30x 0.00016; 1000 Genomes Project 0.00020.
gnomAD v4.1: 25 of 1,613,966 alleles (0.0015%); highest among the groups gnomAD compares: Admixed American, 0.0067%; no homozygotes.

Submissions (3):

Ambry Genetics
Classification: Uncertain significance for Inborn genetic diseases. Last evaluated: 2025-06-11. Review status: criteria provided, single submitter. Criteria: Ambry Variant Classification Scheme 2023. Collection method: clinical testing. Allele origin: germline.

Labcorp Genetics (formerly Invitae), Labcorp
Classification: Uncertain significance for Majeed syndrome. Last evaluated: 2024-06-24. Review status: criteria provided, single submitter. Criteria: Invitae Variant Classification Sherloc (09022015). Collection method: clinical testing. Allele origin: germline.
Comment: This sequence change replaces serine, which is neutral and polar, with leucine, which is neutral and non-polar, at codon 125 of the LPIN2 protein (p.Ser125Leu). This variant is present in population databases (rs542116963, gnomAD 0.004%). This variant has not been reported in the literature in individuals affected with LPIN2-related conditions. ClinVar contains an entry for this variant (Variation ID: 940622). Advanced modeling of protein sequence and biophysical properties (such as structural, functional, and spatial information, amino acid conservation, physicochemical variation, residue mobility, and thermodynamic stability) performed at Invitae indicates that this missense variant is not expected to disrupt LPIN2 protein function with a negative predictive value of 80%. In summary, the available evidence is currently insufficient to determine the role of this variant in disease. Therefore, it has been classified as a Variant of Uncertain Significance.

Blueprint Genetics
Classification: Likely benign. Last evaluated: 2019-11-27. Review status: criteria provided, single submitter. Criteria: ACMG Guidelines, 2015. Collection method: clinical testing. Allele origin: germline.

NM_001375808.2(LPIN2):c.374C>T (p.Ser125Leu)

Gene: LPIN2 (lipin 2; minus strand). Cytogenetic location: 18p11.31.
Variant type: single nucleotide variant.
Coding change: c.374C>T on transcript NM_001375808.2 (MANE Select); coding-DNA position 374, C replaced by T.
Protein change: p.Ser125Leu; replaces serine 125 with leucine.
Molecular consequence: missense variant.
Genome position (GRCh38, 1-based): chr18:2,951,271, G>A on the plus strand (C>T on the coding strand, the complement: LPIN2 is on the minus strand). VCF-style: chr18-2951271-G-A. GRCh37 (hg19) VCF-style: chr18-2951269-G-A.
Other names: c.374C>T, p.Ser125Leu (NM_001375809.1, NM_014646.2); short protein forms S125L.
Identifiers: ClinVar variation 940622 (VCV000940622.10), dbSNP rs542116963, ClinGen allele CA8873569.